The following is an entry in ClinVar:

ClinVar aggregate classification (germline): Likely pathogenic. Review status: criteria provided, single submitter (1 of 4 stars). 2 submissions from 2 submitters: Likely pathogenic (1). 1 of the submissions does not count toward it. Last evaluated 2021-06-02.

Conditions:
Cohen syndrome (COH1). Also called: Cutis verticis gyrata, retinitis pigmentosa, and sensorineural deafness; PEPPER SYNDROME. Identifiers: Orphanet 193, MedGen C0265223, MONDO:0008999, OMIM 216550.

Submissions (3):

Labcorp Genetics (formerly Invitae), Labcorp
Classification: Likely pathogenic for Cohen syndrome. Last evaluated: 2021-06-02. Review status: criteria provided, single submitter. Criteria: Invitae Variant Classification Sherloc (09022015). Collection method: clinical testing. Allele origin: germline.
Comment: This variant has not been reported in the literature in individuals with VPS13B-related conditions. ClinVar contains an entry for this variant (Variation ID: 370883). In summary, the currently available evidence indicates that the variant is pathogenic, but additional data are needed to prove that conclusively. Therefore, this variant has been classified as Likely Pathogenic. Algorithms developed to predict the effect of sequence changes on RNA splicing suggest that this variant may disrupt the consensus splice site, but this prediction has not been confirmed by published transcriptional studies. This variant is not present in population databases (ExAC no frequency). This sequence change affects a donor splice site in intron 39 of the VPS13B gene. It is expected to disrupt RNA splicing. Variants that disrupt the donor or acceptor splice site typically lead to a loss of protein function (PMID: 16199547), and loss-of-function variants in VPS13B are known to be pathogenic (PMID: 15141358, 16648375, 20461111).

Counsyl
Classification: Likely pathogenic for Cohen syndrome. Last evaluated: 2016-05-09. Review status: no assertion criteria provided. Collection method: clinical testing. Allele origin: unknown. Not counted in ClinVar's aggregate classification.

Dr. Peter K. Rogan Lab, Western University
No classification provided (evidence only). Condition: Ovarian cancer. Review status: no classification provided. Collection method: in vitro. Allele origin: not applicable. Functional consequence: retained intron. Not counted in ClinVar's aggregate classification.

Literature cited by the submitters: PubMed 16199547 (cited by Labcorp Genetics (formerly Invitae), Labcorp); PubMed 15141358 (cited by Labcorp Genetics (formerly Invitae), Labcorp); PubMed 16648375 (cited by Labcorp Genetics (formerly Invitae), Labcorp); PubMed 20461111 (cited by Labcorp Genetics (formerly Invitae), Labcorp).

NM_152564.5(VPS13B):c.7050+1G>T

Gene: VPS13B (vacuolar protein sorting 13 homolog B; plus strand). Cytogenetic location: 8q22.2.
Variant type: single nucleotide variant.
Coding change: c.7050+1G>T on transcript NM_152564.5 (MANE Select); the canonical splice donor site of the intron after coding-DNA position 7050, G replaced by T.
Molecular consequence: splice donor variant.
Genome position (GRCh38, 1-based): chr8:99,721,048, G>T. VCF-style: chr8-99721048-G-T. GRCh37 (hg19) VCF-style: chr8-100733276-G-T.
Other names: c.7125+1G>T (NM_017890.5).
Identifiers: ClinVar variation 370883 (VCV000370883.12), dbSNP rs1057516840, ClinGen allele CA16041249.